The following is an entry in ClinVar:

ClinVar aggregate classification (germline): Benign/Likely benign. Review status: criteria provided, multiple submitters, no conflicts (2 of 4 stars). 11 submissions from 10 submitters: Benign (10); Likely benign (1). Last evaluated 2026-05-13.

Conditions:
Connective tissue disorder. Also called: Connective tissue disease. Identifiers: MedGen C0009782, MONDO:0003900.
Multiple epiphyseal dysplasia type 1. Also called: COMP-Related Multiple Epiphyseal Dysplasia. Identifiers: Orphanet 93308, MedGen C1838280, MONDO:0007561, OMIM 132400.
Carpal tunnel syndrome 2. Identifiers: MedGen C5436916, MONDO:0030883, OMIM 619161.
Pseudoachondroplastic spondyloepiphyseal dysplasia syndrome (PSACH). Also called: PSEUDOACHONDROPLASTIC DYSPLASIA; Pseudoachondroplasia; COMP-Related Pseudoachondroplasia. Identifiers: Orphanet 750, MedGen C0410538, MONDO:0008322, OMIM 177170.

Allele frequency attached by ClinVar (database versions not stated): gnomAD exomes 0.00152 and 0.00463; ExAC 0.00623; gnomAD 0.01723 and 0.01840; TOPMed 0.01925; ESP Exome Variant Server 0.01978; 1000 Genomes Project 0.02276; 1000 Genomes Project 30x 0.02295.

Submissions (11):

Women's Health and Genetics/Laboratory Corporation of America, LabCorp
Classification: Likely benign. Last evaluated: 2026-05-13. Review status: criteria provided, single submitter. Criteria: LabCorp Variant Classification Summary - May 2015. Collection method: clinical testing. Allele origin: germline.

Labcorp Genetics (formerly Invitae), Labcorp
Classification: Benign. Last evaluated: 2026-01-21. Review status: criteria provided, single submitter. Criteria: Invitae Variant Classification Sherloc (09022015). Collection method: clinical testing. Allele origin: germline.

ARUP Laboratories, Molecular Genetics and Genomics, ARUP Laboratories
Classification: Benign. Last evaluated: 2025-06-20. Review status: criteria provided, single submitter. Criteria: ARUP Molecular Germline Variant Investigation Process 2024. Collection method: clinical testing. Allele origin: germline.

Fulgent Genetics
Classification: Benign for Multiple epiphyseal dysplasia type 1; Pseudoachondroplastic spondyloepiphyseal dysplasia syndrome; Carpal tunnel syndrome 2. Last evaluated: 2022-04-05. Review status: criteria provided, single submitter. Criteria: ACMG Guidelines, 2015. Collection method: clinical testing. Allele origin: unknown.

Genome Diagnostics Laboratory, The Hospital for Sick Children
Classification: Benign for Connective tissue disorder. Last evaluated: 2020-10-30. Review status: criteria provided, single submitter. Criteria: ACMG Guidelines, 2015. Collection method: clinical testing. Allele origin: germline.

GeneDx
Classification: Benign. Last evaluated: 2018-09-11. Review status: criteria provided, single submitter. Criteria: GeneDx Variant Classification Process June 2021. Collection method: clinical testing. Allele origin: germline. Affected: yes.

Illumina Laboratory Services, Illumina
Classification: Benign for Multiple epiphyseal dysplasia type 1. Last evaluated: 2018-01-12. Review status: criteria provided, single submitter. Criteria: ICSL Variant Classification Criteria 13 December 2019. Collection method: clinical testing. Allele origin: germline.
Comment: This variant was observed in the ICSL laboratory as part of a predisposition screen in an ostensibly healthy population. It had not been previously curated by ICSL or reported in the Human Gene Mutation Database (HGMD: prior to June 1st, 2018), and was therefore a candidate for classification through an automated scoring system. Utilizing variant allele frequency, disease prevalence and penetrance estimates, and inheritance mode, an automated score was calculated to assess if this variant is too frequent to cause the disease. Based on the score and internal cut-off values, a variant classified as benign is not then subjected to further curation. The score for this variant resulted in a classification of benign for this disease.

Illumina Laboratory Services, Illumina
Classification: Benign for Pseudoachondroplastic spondyloepiphyseal dysplasia syndrome. Last evaluated: 2018-01-12. Review status: criteria provided, single submitter. Criteria: ICSL Variant Classification Criteria 13 December 2019. Collection method: clinical testing. Allele origin: germline.
Comment: the same text as in the submission from Illumina Laboratory Services, Illumina above.

Eurofins Ntd Llc (ga)
Classification: Benign. Last evaluated: 2015-02-26. Review status: criteria provided, single submitter. Criteria: EGL Classification Definitions 2015. Collection method: clinical testing. Allele origin: germline. Observed: 1 variant allele, 1 heterozygote.

Breakthrough Genomics
Classification: Benign. Review status: criteria provided, single submitter. Criteria: ACMG Guidelines, 2015. Collection method: not provided. Allele origin: germline. Inheritance: Autosomal dominant inheritance. Affected: yes.

PreventionGenetics, part of Exact Sciences
Classification: Benign. Review status: criteria provided, single submitter. Criteria: ACMG Guidelines, 2015. Collection method: clinical testing. Allele origin: germline.

NM_000095.3(COMP):c.511G>A (p.Ala171Thr)

Gene: COMP (cartilage oligomeric matrix protein; minus strand). Cytogenetic location: 19p13.11.
Variant type: single nucleotide variant.
Coding change: c.511G>A on transcript NM_000095.3 (MANE Select); coding-DNA position 511, G replaced by A.
Protein change: p.Ala171Thr; replaces alanine 171 with threonine.
Molecular consequence: missense variant.
Genome position (GRCh38, 1-based): chr19:18,789,177, C>T on the plus strand (G>A on the coding strand, the complement: COMP is on the minus strand). VCF-style: chr19-18789177-C-T. GRCh37 (hg19) VCF-style: chr19-18899986-C-T.
Other names: short protein forms A171T.
Identifiers: ClinVar variation 197627 (VCV000197627.36), dbSNP rs115338183, ClinGen allele CA202978.